The following is an entry in ClinVar:

NM_001166108.2(PALLD):c.1975AAG[1] (p.Lys660del)

Gene: PALLD (palladin, cytoskeletal associated protein; plus strand). Cytogenetic location: 4q32.3.
Variant type: Microsatellite.
Coding change: c.1975AAG[1] on transcript NM_001166108.2 (MANE Select); one copy of the 3-base unit AAG starting at c.1975; the reference has two copies in a row; one copy, 3 bases deleted.
Protein change: p.Lys660del; deletes lysine 660.
Molecular consequence: inframe deletion. On other transcripts: 5 prime UTR variant (4).
Genome position (GRCh38, 1-based): chr4:168,890,935-168,890,937, AAG deleted; deleting any 3 consecutive bases within chr4:168,890,932-168,890,937 gives the same sequence; the position shown is the placement nearest the transcript's 3' end. VCF-style (leftmost placement, unchanged base first): chr4-168890931-AAAG-A. GRCh37 (hg19) VCF-style: chr4-169812082-AAAG-A.
Other names: c.829AAG[1], p.Lys278del (NM_001166109.2); c.514AAG[1], p.Lys173del (NM_001166110.2); c.-147AAG[1] (NM_001367567.1, NM_001367568.1, NM_001367569.1 and 1 more transcripts); c.1975AAG[1], p.Lys660del (NM_016081.4); short protein forms K660del, K173del, K278del.
Identifiers: ClinVar variation 220455 (VCV000220455.11), dbSNP rs864622531, ClinGen allele CA350697.

ClinVar aggregate classification (germline): Uncertain significance. Review status: criteria provided, multiple submitters, no conflicts (2 of 4 stars). 2 submissions from 2 submitters: Uncertain significance (2). Last evaluated 2025-03-23.

Conditions:
Pancreatic adenocarcinoma. Identifiers: MedGen C0281361, MONDO:0006047, HP:0006725.

Submissions (2):

Ambry Genetics
Classification: Uncertain significance. Last evaluated: 2025-03-23. Review status: criteria provided, single submitter. Criteria: Ambry Variant Classification Scheme 2023. Collection method: clinical testing. Allele origin: germline.
Comment: The c.517_519delAAG variant (also known as p.K173del) is located in coding exon 2 of the PALLD gene. This variant results from an in-frame AAG deletion at nucleotide positions 517 to 519. This results in the in-frame deletion of a lysine at codon 173. This amino acid position is highly conserved in available vertebrate species. In addition, this alteration is predicted to be deleterious by in silico analysis (Choi Y et al. PLoS ONE. 2012; 7(10):e46688). The evidence for this gene-disease relationship is limited; therefore, the clinical significance of this alteration is unclear.

Labcorp Genetics (formerly Invitae), Labcorp
Classification: Uncertain significance for Pancreatic adenocarcinoma. Last evaluated: 2024-01-02. Review status: criteria provided, single submitter. Criteria: Invitae Variant Classification Sherloc (09022015). Collection method: clinical testing. Allele origin: germline.
Comment: This variant, c.517_519del, results in the deletion of 1 amino acid(s) of the PALLD protein (p.Lys173del), but otherwise preserves the integrity of the reading frame. This variant is present in population databases (rs776965815, gnomAD 0.006%). This variant has not been reported in the literature in individuals affected with PALLD-related conditions. ClinVar contains an entry for this variant (Variation ID: 220455). Experimental studies and prediction algorithms are not available or were not evaluated, and the functional significance of this variant is currently unknown. In summary, the available evidence is currently insufficient to determine the role of this variant in disease. Therefore, it has been classified as a Variant of Uncertain Significance.